The following is an entry in ClinVar:

ClinVar aggregate classification (germline): Uncertain significance (1 of 4 stars; one submission).

Conditions:
Hereditary cancer-predisposing syndrome. Also called: Neoplastic Syndromes, Hereditary; Hereditary Cancer Syndrome; Hereditary neoplastic syndrome; Tumor predisposition. Identifiers: Orphanet 140162, MedGen C0027672, MeSH D009386, MONDO:0015356.

Submission:

Ambry Genetics
Classification: Uncertain significance for Hereditary cancer-predisposing syndrome. Last evaluated: 2023-05-06. Review status: criteria provided, single submitter. Criteria: Ambry Variant Classification Scheme 2023. Collection method: clinical testing. Allele origin: germline.
Comment: The p.C734Y variant (also known as c.2201G>A), located in coding exon 19 of the TSC2 gene, results from a G to A substitution at nucleotide position 2201. The cysteine at codon 734 is replaced by tyrosine, an amino acid with highly dissimilar properties. This amino acid position is conserved. In addition, the in silico prediction for this alteration is inconclusive. Since supporting evidence is limited at this time, the clinical significance of this alteration remains unclear.

NM_000548.5(TSC2):c.2201G>A (p.Cys734Tyr)

Gene: TSC2 (TSC complex subunit 2; plus strand). Cytogenetic location: 16p13.3.
Variant type: single nucleotide variant.
Coding change: c.2201G>A on transcript NM_000548.5 (MANE Select); coding-DNA position 2201, G replaced by A.
Protein change: p.Cys734Tyr; replaces cysteine 734 with tyrosine.
Molecular consequence: missense variant. On other transcripts: non-coding transcript variant (5).
Genome position (GRCh38, 1-based): chr16:2,072,344, G>A. VCF-style: chr16-2072344-G-A. GRCh37 (hg19) VCF-style: chr16-2122345-G-A.
Other names: c.2201G>A, p.Cys734Tyr (NM_001077183.3, NM_001114382.3, NM_001363528.2 and 6 more transcripts); c.2090G>A, p.Cys697Tyr (NM_001318827.2, NM_001406670.1, NM_001406678.1); c.2054G>A, p.Cys685Tyr (NM_001318829.2, NM_001406675.1, NM_001406676.1 and 1 more transcripts); c.1601G>A, p.Cys534Tyr (NM_001318831.2, NM_001406680.1, NM_001406682.1 and 6 more transcripts); c.2234G>A, p.Cys745Tyr (NM_001318832.2); c.2291G>A, p.Cys764Tyr (NM_001406667.1, NM_001406668.1); c.2189G>A, p.Cys730Tyr (NM_001406671.1, NM_001406673.1); c.2144G>A, p.Cys715Tyr (NM_001406677.1); and 3 more; short protein forms C697Y, C734Y, C200Y, C730Y, C764Y, C534Y, C580Y, C286Y.
Identifiers: ClinVar variation 2564724 (VCV002564724.2), dbSNP rs2151319207, ClinGen allele CA394275072.